The following is an entry in ClinVar:

NM_000038.6(APC):c.3969T>A (p.Val1323=)

Gene: APC (APC regulator of Wnt signaling pathway; plus strand). Cytogenetic location: 5q22.2.
Variant type: single nucleotide variant.
Coding change: c.3969T>A on transcript NM_000038.6 (MANE Select); coding-DNA position 3969, T replaced by A.
Protein change: p.Val1323=; no amino-acid change (valine 1323 retained).
Molecular consequence: synonymous variant.
Genome position (GRCh38, 1-based): chr5:112,839,563, T>A. VCF-style: chr5-112839563-T-A. GRCh37 (hg19) VCF-style: chr5-112175260-T-A.
Other names: c.3969T>A, p.Val1323= (NM_001127510.3, NM_001354895.2); c.3915T>A, p.Val1305= (NM_001127511.3); c.4023T>A, p.Val1341= (NM_001354896.2); c.3999T>A, p.Val1333= (NM_001354897.2); c.3894T>A, p.Val1298= (NM_001354898.2); c.3885T>A, p.Val1295= (NM_001354899.2); c.3846T>A, p.Val1282= (NM_001354900.2); c.3792T>A, p.Val1264= (NM_001354901.2); and 5 more.
Identifiers: ClinVar variation 516047 (VCV000516047.7), dbSNP rs1465937926, ClinGen allele CA445963963.

ClinVar aggregate classification (germline): Likely benign. Review status: criteria provided, multiple submitters, no conflicts (2 of 4 stars). 4 submissions from 4 submitters: Likely benign (4). Last evaluated 2025-03-04.

Conditions:
Hereditary cancer-predisposing syndrome. Also called: Hereditary Cancer Syndrome; Neoplastic Syndromes, Hereditary; Tumor predisposition; Hereditary neoplastic syndrome. Identifiers: Orphanet 140162, MedGen C0027672, MeSH D009386, MONDO:0015356.
Familial adenomatous polyposis 1 (FAP1). Also called: FAMILIAL ADENOMATOUS POLYPOSIS 1, ATTENUATED; POLYPOSIS, ADENOMATOUS INTESTINAL. Identifiers: MedGen C2713442, MONDO:0021056, OMIM 175100. Disease mechanism: loss of function.

Submissions (4):

Center for Genomic Medicine, Rigshospitalet, Copenhagen University Hospital
Classification: Likely benign. Last evaluated: 2025-03-04. Review status: criteria provided, single submitter. Criteria: ACMG Guidelines, 2015. Collection method: clinical testing. Allele origin: germline.

Labcorp Genetics (formerly Invitae), Labcorp
Classification: Likely benign for Familial adenomatous polyposis 1. Last evaluated: 2024-07-09. Review status: criteria provided, single submitter. Criteria: Invitae Variant Classification Sherloc (09022015). Collection method: clinical testing. Allele origin: germline.

Ambry Genetics
Classification: Likely benign for Hereditary cancer-predisposing syndrome. Last evaluated: 2023-03-12. Review status: criteria provided, single submitter. Criteria: Ambry Variant Classification Scheme 2023. Collection method: clinical testing. Allele origin: germline.

GeneDx
Classification: Likely benign. Last evaluated: 2018-03-12. Review status: criteria provided, single submitter. Criteria: GeneDx Variant Classification (06012015). Collection method: clinical testing. Allele origin: germline. Affected: yes.
Comment: This variant is considered likely benign or benign based on one or more of the following criteria: it is a conservative change, it occurs at a poorly conserved position in the protein, it is predicted to be benign by multiple in silico algorithms, and/or has population frequency not consistent with disease.